The following is an entry in ClinVar:

NM_019074.4(DLL4):c.1167A>T (p.Glu389Asp)

Gene: DLL4 (delta like canonical Notch ligand 4; plus strand). Cytogenetic location: 15q15.1.
Variant type: single nucleotide variant.
Coding change: c.1167A>T on transcript NM_019074.4 (MANE Select); coding-DNA position 1167, A replaced by T.
Protein change: p.Glu389Asp; replaces glutamic acid 389 with aspartic acid.
Molecular consequence: missense variant.
Genome position (GRCh38, 1-based): chr15:40,935,044, A>T. VCF-style: chr15-40935044-A-T. GRCh37 (hg19) VCF-style: chr15-41227242-A-T.
Other names: short protein forms E389D.
Identifiers: ClinVar variation 4745216 (VCV004745216.1).
Genomic context (GRCh38, chr15:40,935,044, plus strand): 5'-CCCCTGCTTCAATGGGGGCTCCTGCCGGGAGCGCAACCAGGGGGCCAACTATGCTTGTGA[A>T]TGTCCCCCCAACTTCACCGGCTCCAACTGCGAGAAGAAAGTGGACAGGTGCACCAGCAAC-3'
Protein context (NP_061947.1, residues 379-399): ERNQGANYAC[Glu389Asp]CPPNFTGSNC

ClinVar aggregate classification (germline): Uncertain significance (1 of 4 stars; one submission).

Submission:

Labcorp Genetics (formerly Invitae), Labcorp
Classification: Uncertain significance. Last evaluated: 2025-11-20. Review status: criteria provided, single submitter. Criteria: Invitae Variant Classification Sherloc (09022015). Collection method: clinical testing. Allele origin: germline.
Comment: This sequence change replaces glutamic acid, which is acidic and polar, with aspartic acid, which is acidic and polar, at codon 389 of the DLL4 protein (p.Glu389Asp). This variant is not present in population databases (gnomAD no frequency). This variant has not been reported in the literature in individuals affected with DLL4-related conditions. Invitae Evidence Modeling of protein sequence and biophysical properties (such as structural, functional, and spatial information, amino acid conservation, physicochemical variation, residue mobility, and thermodynamic stability) indicates that this missense variant is not expected to disrupt DLL4 protein function with a negative predictive value of 80%. In summary, the available evidence is currently insufficient to determine the role of this variant in disease. Therefore, it has been classified as a Variant of Uncertain Significance.